The following is an entry in ClinVar:

ClinVar aggregate classification (germline): Likely benign (1 of 4 stars; one submission).

Conditions:
Deficiency of adenosine deaminase 2. Also called: Adenosine Deaminase 2 Deficiency; Polyarteritis nodosa, childhoood-onset; VASCULITIS, AUTOINFLAMMATION, IMMUNODEFICIENCY, AND HEMATOLOGIC DEFECTS SYNDROME. Identifiers: Orphanet 404553, MedGen C3887654, MONDO:0014306, OMIM 615688, MONDO:0100317.
Sneddon syndrome (SNDNS). Also called: LIVEDO RETICULARIS AND CEREBROVASCULAR ACCIDENTS; Idiopathic livedo reticularis with systemic involvement. Identifiers: Orphanet 820, MedGen C0282492, MONDO:0008436, OMIM 182410.

gnomAD v4.1: 2 of 1,613,856 alleles (0.00012%); highest among the groups gnomAD compares: Non-Finnish European, 0.00017%; no homozygotes.

Submission:

Center for Genomics, Ann and Robert H. Lurie Children's Hospital of Chicago
Classification: Likely benign for Sneddon syndrome; Deficiency of adenosine deaminase 2. Last evaluated: 2022-04-29. Review status: criteria provided, single submitter. Criteria: ACMG Guidelines, 2015. Collection method: clinical testing. Allele origin: germline.
Comment: This variant has not been reported in the literature but is present in the Genome Aggregation Database (Highest MAF: 0.002% (2/113476)). Evolutionary conservation and computational predictive tools for this variant are limited or unavailable. Of note, this variant is a silent variant and does not change the amino acid, reducing the probability that this variant is disease causing. In summary, data on this variant suggests that this variant does not cause disease but requires further evidence. Therefore, this variant is classified as likely benign.

NM_001282225.2(ADA2):c.570C>A (p.Thr190=)

Gene: ADA2 (adenosine deaminase 2; minus strand). Cytogenetic location: 22q11.1.
Variant type: single nucleotide variant.
Coding change: c.570C>A on transcript NM_001282225.2 (MANE Select); coding-DNA position 570, C replaced by A.
Protein change: p.Thr190=; no amino-acid change (threonine 190 retained).
Molecular consequence: synonymous variant.
Genome position (GRCh38, 1-based): chr22:17,203,746, G>T on the plus strand (C>A on the coding strand, the complement: ADA2 is on the minus strand). VCF-style: chr22-17203746-G-T. GRCh37 (hg19) VCF-style: chr22-17684636-G-T.
Other names: c.570C>A, p.Thr190= (NM_001282226.2); c.444C>A, p.Thr148= (NM_001282227.2, NM_001282228.2); c.210C>A, p.Thr70= (NM_001282229.2).
Identifiers: ClinVar variation 2500096 (VCV002500096.1), dbSNP rs754279854, ClinGen allele CA512834937.